The following continues an entry in ClinVar:

NM_001370259.2(MEN1):c.249_252del (p.Ile85fs)

Gene: MEN1. ClinVar aggregate classification (germline): Pathogenic. Pathogenic (15).

Submissions 12 to 17 of 17:

GeneDx
Classification: Pathogenic. Last evaluated: 2020-11-06. Review status: criteria provided, single submitter. Criteria: GeneDx Variant Classification Process June 2021. Collection method: clinical testing. Allele origin: germline. Affected: yes.
Comment: Frameshift variant predicted to result in protein truncation or nonsense mediated decay in a gene for which loss-of-function is a known mechanism of disease; Not observed in large population cohorts (Lek et al., 2016); Present in up to 4.5% of families with MEN1 (Lemos 2008); Also known as 249del4, 357del4, and 359del4; This variant is associated with the following publications: (PMID: 24915123, 29395620, 28130400, 28597079, 29036195, 27572829, 17879353, 32937789, 10856877, 9103196, 26767918, 24599222, 23093699, 19461164, 22740705, 17623761, 9709921, 17853334, 15281352, 9888389, 10617276, 9215689, 9671267, 10720085, 28870973, 30324798, 28968916, 30795813, 30339208)

Athena Diagnostics
Classification: Pathogenic. Last evaluated: 2020-03-31. Review status: criteria provided, single submitter. Criteria: Athena Diagnostics Criteria. Collection method: clinical testing. Allele origin: unknown.
Comment: The variant results in a shift of the reading frame, and is therefore predicted to result in the loss of a functional protein. Found in at least one patient with expected phenotype for this gene, and not found in general population data.

Laboratory for Molecular Medicine, Mass General Brigham Personalized Medicine
Classification: Pathogenic for Multiple endocrine neoplasia, type 1. Last evaluated: 2016-06-21. Review status: criteria provided, single submitter. Criteria: LMM Criteria. Collection method: clinical testing. Allele origin: germline. Inheritance: Autosomal dominant inheritance. Observed: 1 variant allele.
Comment: The p.Ile85fs variant in MEN1 has been reported in multiple individuals with mul tiple endocrine neoplasia type 1 and segregated with disease in affected relativ es (Lemmens 1997, Lemos 2008). It was absent from large population studies. This variant is predicted to cause a frameshift, which alters the protein's amino ac id sequence beginning at codon 85 and leads to a premature termination codon 33 amino acids downstream. Heterozygous loss-of-function is an established disease mechanism in multiple endocrine neoplasia type 1. In summary, this variant meets our criteria to be classified as pathogenic for multiple endocrine neoplasia ty pe 1 in an autosomal dominant manner.

Clinical Genetics and Genomics, Karolinska University Hospital
Classification: Pathogenic. Last evaluated: 2014-12-05. Review status: criteria provided, single submitter. Criteria: ACMG Guidelines, 2015. Collection method: clinical testing. Allele origin: germline. Affected: yes. Observed: 4 variant alleles.

OMIM
Classification: Pathogenic for LIPOMA, SOMATIC. Last evaluated: 1998-03-04. Review status: no assertion criteria provided. Collection method: literature only. Allele origin: somatic. Not counted in ClinVar's aggregate classification.

OMIM
Classification: Pathogenic for MULTIPLE ENDOCRINE NEOPLASIA, TYPE I. Last evaluated: 1997-04-18. Review status: no assertion criteria provided. Collection method: literature only. Allele origin: germline. Not counted in ClinVar's aggregate classification.

Literature cited by the submitters: PubMed 12112656 (cited by Labcorp Genetics (formerly Invitae), Labcorp and Women's Health and Genetics/Laboratory Corporation of America, LabCorp); PubMed 17853334 (cited by Labcorp Genetics (formerly Invitae), Labcorp); PubMed 9103196 (cited by 5 submitters); PubMed 9215690 (cited by 4 submitters); PubMed 15635078 (cited by 5 submitters); PubMed 17623761 (cited by 4 submitters); PubMed 17879353 (cited by 7 submitters); PubMed 24915123 (cited by 3 submitters); PubMed 9463336 (cited by 4 submitters); PubMed 30324798 (cited by 4 submitters); PubMed 30339208 (cited by Institute for Genomic Medicine (IGM) Clinical Laboratory, Nationwide Children's Hospital); PubMed 29036195 (cited by 3 submitters); PubMed 30795813 (cited by Quest Diagnostics Nichols Institute San Juan Capistrano and Athena Diagnostics); PubMed 27572829 (cited by Quest Diagnostics Nichols Institute San Juan Capistrano and Athena Diagnostics); PubMed 28870973 (cited by Quest Diagnostics Nichols Institute San Juan Capistrano and Athena Diagnostics); PubMed 28968916 (cited by Quest Diagnostics Nichols Institute San Juan Capistrano and Athena Diagnostics); PubMed 9671267 (cited by Quest Diagnostics Nichols Institute San Juan Capistrano and Athena Diagnostics); PubMed 10594843 (cited by Quest Diagnostics Nichols Institute San Juan Capistrano and Athena Diagnostics); PubMed 9683585 (cited by Quest Diagnostics Nichols Institute San Juan Capistrano and Athena Diagnostics); PubMed 10576763 (cited by Quest Diagnostics Nichols Institute San Juan Capistrano and Athena Diagnostics); PubMed 10856877 (cited by 3 submitters); PubMed 10664520 (cited by Quest Diagnostics Nichols Institute San Juan Capistrano and Athena Diagnostics); PubMed 17065424 (cited by Quest Diagnostics Nichols Institute San Juan Capistrano and Athena Diagnostics); PubMed 17953629 (cited by Quest Diagnostics Nichols Institute San Juan Capistrano and Athena Diagnostics); PubMed 18045958 (cited by Quest Diagnostics Nichols Institute San Juan Capistrano and Athena Diagnostics); PubMed 36840469 (cited by Quest Diagnostics Nichols Institute San Juan Capistrano); PubMed 37484956 (cited by Quest Diagnostics Nichols Institute San Juan Capistrano); PubMed 35448982 (cited by Quest Diagnostics Nichols Institute San Juan Capistrano); PubMed 35534704 (cited by Quest Diagnostics Nichols Institute San Juan Capistrano); PubMed 35965945 (cited by Quest Diagnostics Nichols Institute San Juan Capistrano); PubMed 35668420 (cited by Quest Diagnostics Nichols Institute San Juan Capistrano); PubMed 35538538 (cited by Quest Diagnostics Nichols Institute San Juan Capistrano); PubMed 24599222 (cited by 3 submitters); PubMed 14641000 (cited by Women's Health and Genetics/Laboratory Corporation of America, LabCorp); PubMed 25309785 (cited by Athena Diagnostics and Laboratory for Molecular Medicine, Mass General Brigham Personalized Medicine); PubMed 23093699 (cited by Athena Diagnostics and Laboratory for Molecular Medicine, Mass General Brigham Personalized Medicine); PubMed 20833329 (cited by Athena Diagnostics and Laboratory for Molecular Medicine, Mass General Brigham Personalized Medicine); PubMed 9498491 (cited by Athena Diagnostics and OMIM).